The following is an entry in ClinVar:

NM_006506.5(RASA2):c.1262C>T (p.Thr421Ile)

Gene: RASA2 (RAS p21 protein activator 2; plus strand). Cytogenetic location: 3q23.
Variant type: single nucleotide variant.
Coding change: c.1262C>T on transcript NM_006506.5 (MANE Select); coding-DNA position 1262, C replaced by T.
Protein change: p.Thr421Ile; replaces threonine 421 with isoleucine.
Molecular consequence: missense variant.
Genome position (GRCh38, 1-based): chr3:141,572,701, C>T. VCF-style: chr3-141572701-C-T. GRCh37 (hg19) VCF-style: chr3-141291543-C-T.
Other names: c.1262C>T (NM_006506.2); c.1262C>T, p.Thr421Ile (NM_001303245.3, NM_001303246.3); short protein forms T421I.
Identifiers: ClinVar variation 1950493 (VCV001950493.6), dbSNP rs2478720605, ClinGen allele CA354777804.
Genomic context (GRCh38, chr3:141,572,701, plus strand): 5'-TGGCTACCCGATGTCTGGATGAGATGATGAAAATAGTGGGAGGGCACTACCTGAAAGTAA[C>T]ATTAAAACCTATTCTTGATGAGGTACAGAATATATCTCCAACAATGATAGTTTGTGGCCT-3'
Protein context (NP_006497.2, residues 411-431): KIVGGHYLKV[Thr421Ile]LKPILDEICD

ClinVar aggregate classification (germline): Uncertain significance. Review status: criteria provided, multiple submitters, no conflicts (2 of 4 stars). 2 submissions from 2 submitters: Uncertain significance (2). Last evaluated 2025-06-28.

gnomAD v4.1: 4 of 1,609,014 alleles (0.00025%); highest among the groups gnomAD compares: Non-Finnish European, 0.00017%; no homozygotes.

Submissions (2):

Ambry Genetics
Classification: Uncertain significance. Last evaluated: 2025-06-28. Review status: criteria provided, single submitter. Criteria: Ambry Variant Classification Scheme 2023. Collection method: clinical testing. Allele origin: germline.
Comment: The p.T421I variant (also known as c.1262C>T), located in coding exon 12 of the RASA2 gene, results from a C to T substitution at nucleotide position 1262. The threonine at codon 421 is replaced by isoleucine, an amino acid with similar properties. This amino acid position is conserved. In addition, the in silico prediction for this alteration is inconclusive. Based on the available evidence, the clinical significance of this variant remains unclear.

Labcorp Genetics (formerly Invitae), Labcorp
Classification: Uncertain significance. Last evaluated: 2022-03-11. Review status: criteria provided, single submitter. Criteria: Invitae Variant Classification Sherloc (09022015). Collection method: clinical testing. Allele origin: germline.
Comment: Algorithms developed to predict the effect of missense changes on protein structure and function are either unavailable or do not agree on the potential impact of this missense change (SIFT: "Deleterious"; PolyPhen-2: "Probably Damaging"; Align-GVGD: "Class C15"). In summary, the available evidence is currently insufficient to determine the role of this variant in disease. Therefore, it has been classified as a Variant of Uncertain Significance. This variant has not been reported in the literature in individuals affected with RASA2-related conditions. This variant is not present in population databases (gnomAD no frequency). This sequence change replaces threonine, which is neutral and polar, with isoleucine, which is neutral and non-polar, at codon 421 of the RASA2 protein (p.Thr421Ile).